The following is an entry in ClinVar:

ClinVar aggregate classification (germline): Uncertain significance. Review status: criteria provided, multiple submitters, no conflicts (2 of 4 stars). 3 submissions from 3 submitters: Uncertain significance (3). Last evaluated 2025-11-19.

Conditions:
Inborn genetic diseases. Identifiers: MedGen C0950123, MeSH D030342.

Allele frequency attached by ClinVar (database versions not stated): ExAC 0.00001; gnomAD 0.00005; TOPMed 0.00006.
gnomAD v4.1: 15 of 1,613,948 alleles (0.00093%); highest among the groups gnomAD compares: African/African-American, 0.017%; no homozygotes.

Submissions (3):

Ambry Genetics
Classification: Uncertain significance for Inborn genetic diseases. Last evaluated: 2025-11-19. Review status: criteria provided, single submitter. Criteria: Ambry Variant Classification Scheme 2023. Collection method: clinical testing. Allele origin: germline.

Labcorp Genetics (formerly Invitae), Labcorp
Classification: Uncertain significance. Last evaluated: 2025-08-17. Review status: criteria provided, single submitter. Criteria: Invitae Variant Classification Sherloc (09022015). Collection method: clinical testing. Allele origin: germline.
Comment: This sequence change replaces proline, which is neutral and non-polar, with threonine, which is neutral and polar, at codon 274 of the IMPDH1 protein (p.Pro274Thr). This variant is present in population databases (rs765225731, gnomAD 0.02%). This variant has not been reported in the literature in individuals affected with IMPDH1-related conditions. ClinVar contains an entry for this variant (Variation ID: 2083640). An algorithm developed to predict the effect of missense changes on protein structure and function (PolyPhen-2) suggests that this variant is likely to be tolerated. In summary, the available evidence is currently insufficient to determine the role of this variant in disease. Therefore, it has been classified as a Variant of Uncertain Significance.

Blueprint Genetics
Classification: Uncertain significance. Last evaluated: 2019-06-28. Review status: criteria provided, single submitter. Criteria: ACMG Guidelines, 2015. Collection method: clinical testing. Allele origin: germline.

NM_000883.4(IMPDH1):c.820C>A (p.Pro274Thr)

Gene: IMPDH1 (inosine monophosphate dehydrogenase 1; minus strand). Cytogenetic location: 7q32.1.
Variant type: single nucleotide variant.
Coding change: c.820C>A on transcript NM_000883.4 (MANE Select); coding-DNA position 820, C replaced by A.
Protein change: p.Pro274Thr; replaces proline 274 with threonine.
Molecular consequence: missense variant.
Genome position (GRCh38, 1-based): chr7:128,400,149, G>T on the plus strand (C>A on the coding strand, the complement: IMPDH1 is on the minus strand). VCF-style: chr7-128400149-G-T. GRCh37 (hg19) VCF-style: chr7-128040203-G-T.
Other names: c.820C>A (NM_000883.3); c.790C>A, p.Pro264Thr (NM_001102605.2); c.565C>A, p.Pro189Thr (NM_001142573.2); c.550C>A, p.Pro184Thr (NM_001142574.2); c.490C>A, p.Pro164Thr (NM_001142575.2); c.721C>A, p.Pro241Thr (NM_001142576.2); c.613C>A, p.Pro205Thr (NM_001304521.2); c.712C>A, p.Pro238Thr (NM_183243.3); short protein forms P164T, P238T, P264T, P184T, P205T, P241T, P189T, P274T.
Identifiers: ClinVar variation 2083640 (VCV002083640.6), dbSNP rs765225731, ClinGen allele CA4471023.
Genomic context (GRCh38, chr7:128,400,149, plus strand): 5'-TGGTACCTTTCTTGCTACGCTGCAGGATCTCATTTGCCTCTTTCAACGTCACACCTGCTG[G>T]AGCCACCACCAGTTCAATCCTTGGCGTCATCACCTGTGGGGCCAGGAACATTTGCCTGCA-3'
Protein context (NP_000874.2, residues 264-284): MTPRIELVVA[Pro274Thr]AGVTLKEANE